The following is an entry in ClinVar:

NM_001330078.2(NRXN1):c.2672G>A (p.Cys891Tyr)

Gene: NRXN1 (neurexin 1; minus strand). Cytogenetic location: 2p16.3.
Variant type: single nucleotide variant.
Coding change: c.2672G>A on transcript NM_001330078.2 (MANE Select); coding-DNA position 2672, G replaced by A.
Protein change: p.Cys891Tyr; replaces cysteine 891 with tyrosine.
Molecular consequence: missense variant.
Genome position (GRCh38, 1-based): chr2:50,497,540, C>T on the plus strand (G>A on the coding strand, the complement: NRXN1 is on the minus strand). VCF-style: chr2-50497540-C-T. GRCh37 (hg19) VCF-style: chr2-50724678-C-T.
Other names: c.2792G>A, p.Cys931Tyr (NM_001135659.3); c.2648G>A, p.Cys883Tyr (NM_001330077.2, NM_001330082.2); c.2606G>A, p.Cys869Tyr (NM_001330083.2, NM_001330084.2); c.2645G>A, p.Cys882Tyr (NM_001330085.2); c.2672G>A, p.Cys891Tyr (NM_001330086.2, NM_004801.6); c.2561G>A, p.Cys854Tyr (NM_001330087.2, NM_001330096.2); c.2591G>A, p.Cys864Tyr (NM_001330088.2); c.2669G>A, p.Cys890Tyr (NM_001330093.2); and 2 more; short protein forms C854Y, C864Y, C869Y, C874Y, C882Y, C883Y, C887Y, C890Y.
Identifiers: ClinVar variation 1713596 (VCV001713596.5), dbSNP rs1224769867, ClinGen allele CA346777129.

ClinVar aggregate classification (germline): Uncertain significance (1 of 4 stars; one submission).

Conditions:
Pitt-Hopkins-like syndrome 2 (PTHSL2). Identifiers: Orphanet 221150, Orphanet 600663, MedGen C3280479, MONDO:0013690, OMIM 614325.

Allele frequency attached by ClinVar (database versions not stated): gnomAD exomes below 0.00001.
gnomAD v4.1: 1 of 1,613,878 alleles (0.000062%); highest among the groups gnomAD compares: East Asian, 0.0022%; no homozygotes.

Submission:

Labcorp Genetics (formerly Invitae), Labcorp
Classification: Uncertain significance for Pitt-Hopkins-like syndrome 2. Last evaluated: 2022-07-15. Review status: criteria provided, single submitter. Criteria: Invitae Variant Classification Sherloc (09022015). Collection method: clinical testing. Allele origin: germline.
Comment: This sequence change replaces cysteine, which is neutral and slightly polar, with tyrosine, which is neutral and polar, at codon 931 of the NRXN1 protein (p.Cys931Tyr). This variant is present in population databases (no rsID available, gnomAD 0.006%). This variant has not been reported in the literature in individuals affected with NRXN1-related conditions. Algorithms developed to predict the effect of missense changes on protein structure and function are either unavailable or do not agree on the potential impact of this missense change (SIFT: "Deleterious"; PolyPhen-2: "Probably Damaging"; Align-GVGD: "Class C15"). In summary, the available evidence is currently insufficient to determine the role of this variant in disease. Therefore, it has been classified as a Variant of Uncertain Significance.